The following is an entry in ClinVar:

ClinVar aggregate classification (germline): Uncertain significance (1 of 4 stars; one submission).

Submission:

Labcorp Genetics (formerly Invitae), Labcorp
Classification: Uncertain significance. Last evaluated: 2022-09-28. Review status: criteria provided, single submitter. Criteria: Invitae Variant Classification Sherloc (09022015). Collection method: clinical testing. Allele origin: germline.
Comment: In summary, the available evidence is currently insufficient to determine the role of this variant in disease. Therefore, it has been classified as a Variant of Uncertain Significance. Advanced modeling of protein sequence and biophysical properties (such as structural, functional, and spatial information, amino acid conservation, physicochemical variation, residue mobility, and thermodynamic stability) performed at Invitae indicates that this missense variant is expected to disrupt CLUAP1 protein function. This variant has not been reported in the literature in individuals affected with CLUAP1-related conditions. This variant is not present in population databases (gnomAD no frequency). This sequence change replaces phenylalanine, which is neutral and non-polar, with isoleucine, which is neutral and non-polar, at codon 27 of the CLUAP1 protein (p.Phe27Ile).

NM_015041.3(CLUAP1):c.79T>A (p.Phe27Ile)

Gene: CLUAP1 (clusterin associated protein 1; plus strand). Cytogenetic location: 16p13.3.
Variant type: single nucleotide variant.
Coding change: c.79T>A on transcript NM_015041.3 (MANE Select); coding-DNA position 79, T replaced by A.
Protein change: p.Phe27Ile; replaces phenylalanine 27 with isoleucine.
Molecular consequence: missense variant.
Genome position (GRCh38, 1-based): chr16:3,504,776, T>A. VCF-style: chr16-3504776-T-A. GRCh37 (hg19) VCF-style: chr16-3554776-T-A.
Other names: c.79T>A, p.Phe27Ile (NM_001330454.2); short protein forms F27I.
Identifiers: ClinVar variation 1720599 (VCV001720599.5), dbSNP rs2543922506, ClinGen allele CA394510737.